The following is an entry in ClinVar:

NM_000059.4(BRCA2):c.6249T>G (p.Phe2083Leu)

Gene: BRCA2 (BRCA2 DNA repair associated; plus strand). Cytogenetic location: 13q13.1.
Variant type: single nucleotide variant.
Coding change: c.6249T>G on transcript NM_000059.4 (MANE Select); coding-DNA position 6249, T replaced by G.
Protein change: p.Phe2083Leu; replaces phenylalanine 2083 with leucine.
Molecular consequence: missense variant.
Genome position (GRCh38, 1-based): chr13:32,340,604, T>G. VCF-style: chr13-32340604-T-G. GRCh37 (hg19) VCF-style: chr13-32914741-T-G.
Other names: short protein forms F2083L.
Identifiers: ClinVar variation 1063542 (VCV001063542.14), dbSNP rs2072550078, ClinGen allele CA387788927.

ClinVar aggregate classification (germline): Conflicting classifications of pathogenicity. Review status: criteria provided, conflicting classifications (1 of 4 stars). 4 submissions from 4 submitters: Uncertain significance (3); Likely benign (1). Last evaluated 2025-01-18.

Conditions:
Hereditary cancer-predisposing syndrome. Also called: Hereditary Cancer Syndrome; Hereditary neoplastic syndrome; Neoplastic Syndromes, Hereditary; Tumor predisposition. Identifiers: Orphanet 140162, MedGen C0027672, MeSH D009386, MONDO:0015356.
Hereditary breast ovarian cancer syndrome. Also called: Hereditary breast and ovarian cancer syndrome (HBOC); Breast and ovarian cancer; Hereditary breast and/or ovarian cancer syndrome; BRCA1- and BRCA2-Associated Hereditary Breast and Ovarian Cancer; Hereditary breast and ovarian cancer syndrome; Hereditary breast and ovarian cancer. Identifiers: Orphanet 145, MedGen C0677776, MeSH D061325, MONDO:0003582. Disease mechanism: loss of function.

Submissions (4):

Ambry Genetics
Classification: Uncertain significance for Hereditary cancer-predisposing syndrome. Last evaluated: 2025-01-18. Review status: criteria provided, single submitter. Criteria: Ambry Variant Classification Scheme 2023. Collection method: clinical testing. Allele origin: germline.
Comment: The p.F2083L variant (also known as c.6249T>G), located in coding exon 10 of the BRCA2 gene, results from a T to G substitution at nucleotide position 6249. The phenylalanine at codon 2083 is replaced by leucine, an amino acid with highly similar properties. This amino acid position is conserved. In addition, the in silico prediction for this alteration is inconclusive. Since supporting evidence is limited at this time, the clinical significance of this alteration remains unclear.

Labcorp Genetics (formerly Invitae), Labcorp
Classification: Uncertain significance for Hereditary breast ovarian cancer syndrome. Last evaluated: 2024-07-22. Review status: criteria provided, single submitter. Criteria: Invitae Variant Classification Sherloc (09022015). Collection method: clinical testing. Allele origin: germline.
Comment: This sequence change replaces phenylalanine, which is neutral and non-polar, with leucine, which is neutral and non-polar, at codon 2083 of the BRCA2 protein (p.Phe2083Leu). This variant is not present in population databases (gnomAD no frequency). This variant has not been reported in the literature in individuals affected with BRCA2-related conditions. ClinVar contains an entry for this variant (Variation ID: 1063542). Advanced modeling of protein sequence and biophysical properties (such as structural, functional, and spatial information, amino acid conservation, physicochemical variation, residue mobility, and thermodynamic stability) performed at Invitae indicates that this missense variant is not expected to disrupt BRCA2 protein function with a negative predictive value of 95%. In summary, the available evidence is currently insufficient to determine the role of this variant in disease. Therefore, it has been classified as a Variant of Uncertain Significance.

Quest Diagnostics Nichols Institute San Juan Capistrano
Classification: Uncertain significance. Last evaluated: 2024-07-10. Review status: criteria provided, single submitter. Criteria: Quest Diagnostics criteria. Collection method: clinical testing. Allele origin: unknown.
Comment: The BRCA2 c.6249T>G (p.Phe2083Leu) variant has been reported in the published literature to be located in a region of the BRCA2 gene that is tolerant to missense sequence changes (PMID: 31911673 (2020)). To the best of our knowledge, this variant has not been reported in individuals with BRCA2-related disorders. This variant has not been reported in large, multi-ethnic general populations (Genome Aggregation Database). Analysis of this variant using bioinformatics tools for the prediction of the effect of amino acid changes on protein structure and function yielded conflicting predictions that this variant is benign or damaging. Based on the available information, we are unable to determine the clinical significance of this variant.

University of Washington Department of Laboratory Medicine, University of Washington
Classification: Likely benign for Hereditary cancer-predisposing syndrome. Last evaluated: 2023-03-23. Review status: criteria provided, single submitter. Criteria: Dines et al. (Genet Med. 2020). Collection method: curation. Allele origin: germline.
Comment: Missense variant in a coldspot region where missense variants are very unlikely to be pathogenic (PMID:31911673).

BRCA2 exon 11 coldspot. Reclassification based on statistical prior probability.

Literature cited by the submitters: PubMed 31911673 (cited by Quest Diagnostics Nichols Institute San Juan Capistrano).